The following is an entry in ClinVar:

ClinVar aggregate classification (germline): Uncertain significance. Review status: criteria provided, multiple submitters, no conflicts (2 of 4 stars). 4 submissions from 4 submitters: Uncertain significance (4). Last evaluated 2024-05-14.

Conditions:
Arrhythmogenic cardiomyopathy with wooly hair and keratoderma. Also called: Dilated cardiomyopathy with woolly hair and keratoderma; Arrhythmogenic cardiomyopathy with woolly hair and keratoderma; Carvajal syndrome; PALMOPLANTAR KERATODERMA WITH LEFT VENTRICULAR CARDIOMYOPATHY AND WOOLLY HAIR. Identifiers: Orphanet 65282, MedGen C1854063, MONDO:0011581, OMIM 605676.
Cardiomyopathy (CMYO). Also called: Cardiomyopathies. Identifiers: Orphanet 167848, MedGen C0878544, MONDO:0004994, HP:0001638. Inheritance: Various modes of inheritance.

Submissions (4):

Color Diagnostics, LLC DBA Color Health
Classification: Uncertain significance for Cardiomyopathy. Last evaluated: 2024-05-14. Review status: criteria provided, single submitter. Criteria: ACMG Guidelines, 2015. Collection method: clinical testing. Allele origin: germline.
Comment: This variant causes a deletion of one amino acid from the DSP protein. To our knowledge, functional studies have not been reported for this variant. This variant has not been reported in individuals affected with DSP-related disorders in the literature. This variant has been identified in 2/251490 chromosomes in the general population by the Genome Aggregation Database (gnomAD). The available evidence is insufficient to determine the role of this variant in disease conclusively. Therefore, this variant is classified as a Variant of Uncertain Significance.

All of Us Research Program, National Institutes of Health
Classification: Uncertain significance for Arrhythmogenic cardiomyopathy with wooly hair and keratoderma. Last evaluated: 2023-08-28. Review status: criteria provided, single submitter. Criteria: ACMG Guidelines, 2015. Collection method: clinical testing. Allele origin: germline. Inheritance: Autosomal dominant inheritance. Observed: 4 variant alleles, 4 heterozygotes.
Comment: This variant causes a deletion of one amino acid from the DSP protein. To our knowledge, functional studies have not been reported for this variant. This variant has not been reported in individuals affected with DSP-related disorders in the literature. This variant has been identified in 2/251490 chromosomes in the general population by the Genome Aggregation Database (gnomAD). The available evidence is insufficient to determine the role of this variant in disease conclusively. Therefore, this variant is classified as a Variant of Uncertain Significance.

This study involves interpretation of variants in research participants for the purpose of population health screening. Participant phenotype was not available at the time of variant classification. Additional details can be found in publication PMID: 35346344, PMCID: PMC8962531

GeneDx
Classification: Uncertain significance. Last evaluated: 2021-05-14. Review status: criteria provided, single submitter. Criteria: GeneDx Variant Classification Process June 2021. Collection method: clinical testing. Allele origin: germline. Affected: yes.
Comment: Not observed at a significant frequency in large population cohorts (Lek et al., 2016); In-frame deletion of 1 amino acids in a non-repeat region; In silico analysis supports a deleterious effect on protein structure/function; Has not been previously published as pathogenic or benign to our knowledge

Blueprint Genetics
Classification: Uncertain significance. Last evaluated: 2019-05-24. Review status: criteria provided, single submitter. Criteria: ACMG Guidelines, 2015. Collection method: clinical testing. Allele origin: germline.

NM_004415.4(DSP):c.6535AAG[1] (p.Lys2180del)

Gene: DSP (desmoplakin; plus strand). Cytogenetic location: 6p24.3.
Variant type: Microsatellite.
Coding change: c.6535AAG[1] on transcript NM_004415.4 (MANE Select); one copy of the 3-base unit AAG starting at c.6535; the reference has two copies in a row; one copy, 3 bases deleted; also written c.6538_6540del.
Protein change: p.Lys2180del; deletes lysine 2180.
Molecular consequence: inframe deletion.
Genome position (GRCh38, 1-based): chr6:7,583,800-7,583,802, AAG deleted; deleting any 3 consecutive bases within chr6:7,583,797-7,583,802 gives the same sequence; the position shown is the placement nearest the transcript's 3' end. VCF-style (leftmost placement, unchanged base first): chr6-7583796-AAAG-A. GRCh37 (hg19) VCF-style: chr6-7584029-AAAG-A.
Other names: c.6538_6540delAAG (NM_004415.2); c.4738AAG[1], p.Lys1581del (NM_001008844.3); c.5206AAG[1], p.Lys1737del (NM_001319034.2); c.6538_6540del (NM_004415.4); short protein forms K2180del, K1737del, K1581del.
Identifiers: ClinVar variation 503840 (VCV000503840.6), dbSNP rs761044651, ClinGen allele CA047932.
Genomic context (GRCh38, chr6:7,583,796, plus strand): 5'-GTATCGATCCCTGAATGATCCCCGAGATAGTCAGAAAAACTTTGTGGATCCAGTCACCAA[AAAG>A]AAGGTCAGTTACGTGCAGCTGAAGGAACGGTGCAGAATCGAACCACATACTGGTCTGCTC-3'